The following is an entry in ClinVar:

ClinVar aggregate classification (germline): Likely pathogenic (1 of 4 stars; one submission).

Conditions:
MAGEL2-related disorder. Also called: MAGEL2-related condition.

Submission:

PreventionGenetics, part of Exact Sciences
Classification: Likely pathogenic for MAGEL2-related condition. Last evaluated: 2026-08-07. Review status: criteria provided, single submitter. Criteria: ACMG Guidelines, 2015. Collection method: clinical testing. Allele origin: germline.
Comment: The MAGEL2 c.3225T>A variant is predicted to result in premature protein termination (p.Tyr1075*). To our knowledge, this variant has not been reported in the literature or in a large population database (gnomAD), indicating this variant is rare. Nonsense variants in MAGEL2 are expected to be pathogenic. This variant is interpreted as likely pathogenic.

NM_019066.5(MAGEL2):c.3225T>A (p.Tyr1075Ter)

Gene: MAGEL2 (MAGE family member L2; minus strand). Cytogenetic location: 15q11.2.
Variant type: single nucleotide variant.
Coding change: c.3225T>A on transcript NM_019066.5 (MANE Select); coding-DNA position 3225, T replaced by A.
Protein change: p.Tyr1075Ter; replaces tyrosine 1075 with a stop codon.
Molecular consequence: nonsense.
Genome position (GRCh38, 1-based): chr15:23,644,518, A>T on the plus strand (T>A on the coding strand, the complement: MAGEL2 is on the minus strand). VCF-style: chr15-23644518-A-T. GRCh37 (hg19) VCF-style: chr15-23889665-A-T.
Other names: short protein forms Y1075*.
Identifiers: ClinVar variation 4991676 (VCV004991676.1).